The following is an entry in ClinVar:

ClinVar aggregate classification (germline): Uncertain significance. Review status: reviewed by expert panel (3 of 4 stars). 2 submissions from 2 submitters: Uncertain significance (1). 1 of the submissions does not count toward it. Last evaluated 2025-06-09.

Conditions:
Nemaline myopathy 2 (NEM2). Also called: Nemaline myopathy 2, autosomal recessive. Identifiers: MedGen C1850569, MONDO:0009725, OMIM 256030.
Nemaline myopathy. Also called: Myopathies, Nemaline. Identifiers: Orphanet 607, MedGen C0206157, MONDO:0018958.

Submissions (2):

ClinGen Congenital Myopathies Variant Curation Expert Panel, ClinGen
Classification: Uncertain significance for Nemaline myopathy. Last evaluated: 2025-06-09. Review status: reviewed by expert panel. Criteria: ClinGen CongenMyopathy ACMG Specifications NEB V1.0.0. Collection method: curation. Allele origin: germline. Inheritance: Autosomal recessive inheritance.
Comment: The NM_001271208.2(NEB):c.5257T>C, p.(Trp1753Arg) variant in NEB is a missense variant predicted to cause a substitution of tryptophan by arginine at amino acid 1753. This variant is absent from gnomAD v4.1.1 (PM2_Supporting). The computational predictor REVEL gives a score of 0.455, which is neither above nor below the thresholds predicting a damaging or benign impact on NEB function (no codes met). This variant has been identified in trans with a 2.8kb deletion of three exons in a patient with histological features of nemaline myopathy (VCEP internal contributor) (PM3, PP4). In summary, this variant meets the criteria to be classified as a variant of uncertain significance for autosomal recessive nemaline myopathy based on the ACMG/AMP criteria applied, as specified by the ClinGen Congenital Myopathies VCEP: PM2_Supporting, PM3, PP4 (ClinGen Congenital Myopathies VCEP specifications version 1.0)

Labcorp Genetics (formerly Invitae), Labcorp
Classification: Uncertain significance for Nemaline myopathy 2. Last evaluated: 2022-06-22. Review status: criteria provided, single submitter. Criteria: Invitae Variant Classification Sherloc (09022015). Collection method: clinical testing. Allele origin: germline. Not counted in ClinVar's aggregate classification.
Comment: This sequence change replaces tryptophan, which is neutral and slightly polar, with arginine, which is basic and polar, at codon 1753 of the NEB protein (p.Trp1753Arg). This variant is not present in population databases (gnomAD no frequency). This variant has not been reported in the literature in individuals affected with NEB-related conditions. Algorithms developed to predict the effect of missense changes on protein structure and function are either unavailable or do not agree on the potential impact of this missense change (SIFT: "Deleterious"; PolyPhen-2: "Not Available"; Align-GVGD: "Class C0"). In summary, the available evidence is currently insufficient to determine the role of this variant in disease. Therefore, it has been classified as a Variant of Uncertain Significance.

NM_001164508.2(NEB):c.5257T>C (p.Trp1753Arg)

Gene: NEB (nebulin; minus strand). Cytogenetic location: 2q23.3.
Variant type: single nucleotide variant.
Coding change: c.5257T>C on transcript NM_001164508.2 (MANE Select); coding-DNA position 5257, T replaced by C.
Protein change: p.Trp1753Arg; replaces tryptophan 1753 with arginine.
Molecular consequence: missense variant.
Genome position (GRCh38, 1-based): chr2:151,664,845, A>G on the plus strand (T>C on the coding strand, the complement: NEB is on the minus strand). VCF-style: chr2-151664845-A-G. GRCh37 (hg19) VCF-style: chr2-152521359-A-G.
Other names: NM_001164508.2(NEB):c.5257T>C; p.Trp1753Arg; c.5257T>C, p.Trp1753Arg (NM_001164507.2, NM_001271208.2, NM_004543.5); short protein forms W1753R.
Identifiers: ClinVar variation 1904027 (VCV001904027.3), dbSNP rs2552257502, ClinGen allele CA348811769.